The following is an entry in ClinVar:

ClinVar aggregate classification (germline): Uncertain significance (1 of 4 stars; one submission).

Conditions:
Naxos disease (NXD). Also called: KERATOSIS PALMOPLANTARIS WITH ARRHYTHMOGENIC CARDIOMYOPATHY; MAL DE NAXOS; PALMOPLANTAR KERATODERMA WITH ARRHYTHMOGENIC RIGHT VENTRICULAR CARDIOMYOPATHY AND WOOLLY HAIR; WOOLLY HAIR, PALMOPLANTAR KERATODERMA, AND CARDIAC ABNORMALITIES; CARDIOMYOPATHY, ARRHYTHMOGENIC RIGHT VENTRICULAR, WITH SKIN, HAIR, AND NAIL ABNORMALITIES. Identifiers: Orphanet 34217, MedGen C1832600, MONDO:0011017, OMIM 601214.
Arrhythmogenic right ventricular dysplasia 12. Also called: ARRHYTHMOGENIC RIGHT VENTRICULAR DYSPLASIA, FAMILIAL, 12. Identifiers: MedGen C1969081, MONDO:0012684, OMIM 611528.

Allele frequency attached by ClinVar (database versions not stated): gnomAD exomes below 0.00001; ExAC 0.00001; TOPMed 0.00002.
gnomAD v4.1: 2 of 1,614,216 alleles (0.00012%); highest among the groups gnomAD compares: East Asian, 0.0045%; no homozygotes.

Submission:

Labcorp Genetics (formerly Invitae), Labcorp
Classification: Uncertain significance for Arrhythmogenic right ventricular dysplasia 12; Naxos disease. Last evaluated: 2023-01-27. Review status: criteria provided, single submitter. Criteria: Invitae Variant Classification Sherloc (09022015). Collection method: clinical testing. Allele origin: germline.
Comment: Algorithms developed to predict the effect of missense changes on protein structure and function are either unavailable or do not agree on the potential impact of this missense change (SIFT: "Deleterious"; PolyPhen-2: "Probably Damaging"; Align-GVGD: "Class C0"). In summary, the available evidence is currently insufficient to determine the role of this variant in disease. Therefore, it has been classified as a Variant of Uncertain Significance. This variant has not been reported in the literature in individuals affected with JUP-related conditions. This variant is present in population databases (rs781962314, gnomAD 0.02%). This sequence change replaces proline, which is neutral and non-polar, with serine, which is neutral and polar, at codon 454 of the JUP protein (p.Pro454Ser).

NM_002230.4(JUP):c.1360C>T (p.Pro454Ser)

Gene: JUP (junction plakoglobin; minus strand). Cytogenetic location: 17q21.2.
Variant type: single nucleotide variant.
Coding change: c.1360C>T on transcript NM_002230.4 (MANE Select); coding-DNA position 1360, C replaced by T.
Protein change: p.Pro454Ser; replaces proline 454 with serine.
Molecular consequence: missense variant.
Genome position (GRCh38, 1-based): chr17:41,763,120, G>A on the plus strand (C>T on the coding strand, the complement: JUP is on the minus strand). VCF-style: chr17-41763120-G-A. GRCh37 (hg19) VCF-style: chr17-39919372-G-A.
Other names: c.1360C>T, p.Pro454Ser (NM_001352773.2, NM_001352774.2, NM_001352775.2 and 3 more transcripts); short protein forms P454S.
Identifiers: ClinVar variation 2930561 (VCV002930561.3), dbSNP rs781962314, ClinGen allele CA8565225.